The following is an entry in ClinVar:

NM_001267550.2(TTN):c.41338G>A (p.Val13780Met)

Gene: TTN (titin; minus strand). Cytogenetic location: 2q31.2.
Variant type: single nucleotide variant.
Coding change: c.41338G>A on transcript NM_001267550.2 (MANE Select); coding-DNA position 41338, G replaced by A.
Protein change: p.Val13780Met; replaces valine 13780 with methionine.
Molecular consequence: missense variant.
Genome position (GRCh38, 1-based): chr2:178,636,233, C>T on the plus strand (G>A on the coding strand, the complement: TTN is on the minus strand). VCF-style: chr2-178636233-C-T. GRCh37 (hg19) VCF-style: chr2-179500960-C-T.
Other names: c.36415G>A, p.Val12139Met (NM_001256850.1); c.14143G>A, p.Val4715Met (NM_003319.4); c.33634G>A, p.Val11212Met (NM_133378.4); c.14518G>A, p.Val4840Met (NM_133432.3); c.14719G>A, p.Val4907Met (NM_133437.4); short protein forms V11212M, V12139M, V13780M, V4715M, V4840M, V4907M.
Identifiers: ClinVar variation 3767761 (VCV003767761.1).
Genomic context (GRCh38, chr2:178,636,233, plus strand): 5'-AGTACAATGGCTGTCCTTTGACCACTGTGACTTCCTCTTCCAGTGTTTTTACAAAACGCA[C>T]AGGAAGTTCTATGGAGAATTTCAGTATATATTTCAATAAATACAATATTTTCAATGAAAT-3'
Protein context (NP_001254479.2, residues 13770-13790): TAKLVVEELP[Val13780Met]RFVKTLEEEV

ClinVar aggregate classification (germline): Uncertain significance (1 of 4 stars; one submission).

Submission:

GeneDx
Classification: Uncertain significance. Last evaluated: 2024-09-04. Review status: criteria provided, single submitter. Criteria: GeneDx Variant Classification Process June 2021. Collection method: clinical testing. Allele origin: germline. Affected: yes.
Comment: Not observed at significant frequency in large population cohorts (gnomAD); Missense variant in a gene in which most reported pathogenic variants are truncating/loss of function; Has not been previously published as pathogenic or benign to our knowledge